The following is an entry in ClinVar:

ClinVar aggregate classification (germline): Uncertain significance. Review status: criteria provided, multiple submitters, no conflicts (2 of 4 stars). 3 submissions from 3 submitters: Uncertain significance (3). Last evaluated 2023-08-23.

Conditions:
Hereditary breast ovarian cancer syndrome. Also called: Hereditary breast and ovarian cancer syndrome; Breast and ovarian cancer; Hereditary breast and ovarian cancer syndrome (HBOC); Hereditary breast and/or ovarian cancer syndrome; BRCA1- and BRCA2-Associated Hereditary Breast and Ovarian Cancer; Hereditary breast and ovarian cancer. Identifiers: Orphanet 145, MedGen C0677776, MeSH D061325, MONDO:0003582. Disease mechanism: loss of function.
Hereditary cancer-predisposing syndrome. Also called: Neoplastic Syndromes, Hereditary; Hereditary neoplastic syndrome; Hereditary Cancer Syndrome; Tumor predisposition. Identifiers: Orphanet 140162, MedGen C0027672, MeSH D009386, MONDO:0015356.

Submissions (3):

Labcorp Genetics (formerly Invitae), Labcorp
Classification: Uncertain significance for Hereditary breast ovarian cancer syndrome. Last evaluated: 2023-08-23. Review status: criteria provided, single submitter. Criteria: Invitae Variant Classification Sherloc (09022015). Collection method: clinical testing. Allele origin: germline.
Comment: This sequence change replaces valine, which is neutral and non-polar, with isoleucine, which is neutral and non-polar, at codon 122 of the BRCA1 protein (p.Val122Ile). This variant is not present in population databases (gnomAD no frequency). This missense change has been observed in individual(s) with breast and/or ovarian cancer (PMID: 15944772). ClinVar contains an entry for this variant (Variation ID: 1199035). Advanced modeling of protein sequence and biophysical properties (such as structural, functional, and spatial information, amino acid conservation, physicochemical variation, residue mobility, and thermodynamic stability) performed at Invitae indicates that this missense variant is not expected to disrupt BRCA1 protein function. In summary, the available evidence is currently insufficient to determine the role of this variant in disease. Therefore, it has been classified as a Variant of Uncertain Significance.

Ambry Genetics
Classification: Uncertain significance for Hereditary cancer-predisposing syndrome. Last evaluated: 2021-10-28. Review status: criteria provided, single submitter. Criteria: Ambry Variant Classification Scheme 2023. Collection method: clinical testing. Allele origin: germline.
Comment: The p.V122I variant (also known as c.364G>A), located in coding exon 5 of the BRCA1 gene, results from a G to A substitution at nucleotide position 364. The valine at codon 122 is replaced by isoleucine, an amino acid with highly similar properties. This amino acid position is not well conserved in available vertebrate species. In addition, the in silico prediction for this alteration is inconclusive. Since supporting evidence is limited at this time, the clinical significance of this alteration remains unclear.

GeneDx
Classification: Uncertain significance. Last evaluated: 2020-12-09. Review status: criteria provided, single submitter. Criteria: GeneDx Variant Classification Process June 2021. Collection method: clinical testing. Allele origin: germline. Affected: yes.
Comment: Not observed in large population cohorts (Lek 2016); In silico analysis supports that this missense variant does not alter protein structure/function; Observed in an individual with breast cancer (Salgado 2005); Also known as 483G>A; This variant is associated with the following publications: (PMID: 15944772)

Literature cited by the submitters: PubMed 15944772 (cited by Labcorp Genetics (formerly Invitae), Labcorp).

NM_007294.4(BRCA1):c.364G>A (p.Val122Ile)

Gene: BRCA1 (BRCA1 DNA repair associated; minus strand). Cytogenetic location: 17q21.31.
Variant type: single nucleotide variant.
Coding change: c.364G>A on transcript NM_007294.4 (MANE Select); coding-DNA position 364, G replaced by A.
Protein change: p.Val122Ile; replaces valine 122 with isoleucine.
Molecular consequence: missense variant. On other transcripts: non-coding transcript variant (1).
Genome position (GRCh38, 1-based): chr17:43,104,199, C>T on the plus strand (G>A on the coding strand, the complement: BRCA1 is on the minus strand). VCF-style: chr17-43104199-C-T. GRCh37 (hg19) VCF-style: chr17-41256216-C-T.
Other names: c.364G>A, p.Val122Ile (NM_001407612.1, NM_001407613.1, NM_001407614.1 and 165 more transcripts); c.355G>A, p.Val119Ile (NM_001407646.1, NM_001407647.1, NM_001408408.1); c.154G>A, p.Val52Ile (NM_001407571.1, NM_001407853.1, NM_001407879.1 and 58 more transcripts); c.286G>A, p.Val96Ile (NM_001407653.1, NM_001407654.1, NM_001407655.1 and 21 more transcripts); c.223G>A, p.Val75Ile (NM_001407692.1, NM_001407694.1, NM_001407695.1 and 99 more transcripts); c.-18G>A (NM_001407959.1, NM_001407960.1, NM_001407962.1 and 4 more transcripts); c.232G>A, p.Val78Ile (NM_001408451.1); short protein forms V122I, V75I, V119I, V52I, V78I, V96I.
Identifiers: ClinVar variation 1199035 (VCV001199035.8), dbSNP rs1555596409, ClinGen allele CA10601416.